The following is an entry in ClinVar:

NM_022455.5(NSD1):c.29G>A (p.Arg10Lys)

Gene: NSD1 (nuclear receptor binding SET domain protein 1; plus strand). Cytogenetic location: 5q35.3.
Variant type: single nucleotide variant.
Coding change: c.29G>A on transcript NM_022455.5 (MANE Select); coding-DNA position 29, G replaced by A.
Protein change: p.Arg10Lys; replaces arginine 10 with lysine.
Molecular consequence: missense variant.
Genome position (GRCh38, 1-based): chr5:177,135,132, G>A. VCF-style: chr5-177135132-G-A. GRCh37 (hg19) VCF-style: chr5-176562133-G-A.
Other names: c.-105G>A (NM_001365684.2, NM_001409305.1, NM_001409306.1 and 4 more transcripts); c.29G>A, p.Arg10Lys (NM_001409301.1, NM_001409302.1, NM_001409303.1 and 1 more transcripts); short protein forms R10K.
Identifiers: ClinVar variation 651239 (VCV000651239.9), dbSNP rs1581089074, ClinGen allele CA362290038.

ClinVar aggregate classification (germline): Uncertain significance (1 of 4 stars; one submission).

gnomAD v4.1: 1 of 1,614,190 alleles (0.000062%); highest among the groups gnomAD compares: Non-Finnish European, 0.000085%; no homozygotes.

Submission:

Labcorp Genetics (formerly Invitae), Labcorp
Classification: Uncertain significance. Last evaluated: 2022-08-16. Review status: criteria provided, single submitter. Criteria: Invitae Variant Classification Sherloc (09022015). Collection method: clinical testing. Allele origin: germline.
Comment: ClinVar contains an entry for this variant (Variation ID: 651239). Advanced modeling of protein sequence and biophysical properties (such as structural, functional, and spatial information, amino acid conservation, physicochemical variation, residue mobility, and thermodynamic stability) performed at Invitae indicates that this missense variant is not expected to disrupt NSD1 protein function. In summary, the available evidence is currently insufficient to determine the role of this variant in disease. Therefore, it has been classified as a Variant of Uncertain Significance. This variant is not present in population databases (gnomAD no frequency). This variant has not been reported in the literature in individuals affected with NSD1-related conditions. This sequence change replaces arginine, which is basic and polar, with lysine, which is basic and polar, at codon 10 of the NSD1 protein (p.Arg10Lys).